The following is an entry in ClinVar:

ClinVar aggregate classification (germline): not provided (0 of 4 stars; one submission).

Conditions:
Preeclampsia. Identifiers: Orphanet 275555, MedGen C0032914, MONDO:0005081, HP:0100602.

Submission:

Institute of Molecular and Cell Biology, University of Tartu
No classification provided. Condition: Preeclampsia. Review status: no classification provided. Collection method: case-control. Allele origin: unknown. Affected: yes. Study: Kasak2014.
Comment: The study aimed to determine the contribution of copy number variants in the genetic etiology of normal and complicated pregnancies. The samples represented (i) maternal blood DNA drawn from healthy pregnant women during 1st or 2nd trimester and (ii) maternal and paternal blood DNA drawn at term pregnancy cases representing normal and complicated gestations (severe preeclampsia, PE; gestational diabetes, GD; small-for-gestational age newborn, SGA; large-for-gestational age newborn, LGA). We performed CNV calling based on genome-wide genotyping dataset (Illumina HumanOmniExpress-24-v1 BeadChip) by applying three algorithms, QuantiSNP, GADA (Genome Alteration Detection Algorithm) and CNstream in parallel. The acquired CNV calls were merged with HD-CNV (Hotspot Detector for Copy Number Variants) program and only the CNVs predicted by at least two programs, were considered in subsequent analysis.

Literature cited by the submitters: PubMed 25666259.

NC_000003.12:g.173521663_173583247dup

Gene: NLGN1 (neuroligin 1; plus strand). Cytogenetic location: 3q26.31.
Variant type: Duplication.
Identifiers: ClinVar variation 156899 (VCV000156899.2).